The following is an entry in ClinVar:

NM_001036.6(RYR3):c.4936G>A (p.Glu1646Lys)

Gene: RYR3 (ryanodine receptor 3; plus strand). Cytogenetic location: 15q14.
Variant type: single nucleotide variant.
Coding change: c.4936G>A on transcript NM_001036.6 (MANE Select); coding-DNA position 4936, G replaced by A.
Protein change: p.Glu1646Lys; replaces glutamic acid 1646 with lysine.
Molecular consequence: missense variant.
Genome position (GRCh38, 1-based): chr15:33,662,466, G>A. VCF-style: chr15-33662466-G-A. GRCh37 (hg19) VCF-style: chr15-33954667-G-A.
Other names: c.4936G>A, p.Glu1646Lys (NM_001243996.4); short protein forms E1646K.
Identifiers: ClinVar variation 843729 (VCV000843729.10), dbSNP rs376032202, ClinGen allele CA7459145.

ClinVar aggregate classification (germline): Uncertain significance (1 of 4 stars; one submission).

Conditions:
Epileptic encephalopathy. Identifiers: MedGen C0543888, HP:0200134.

Allele frequency attached by ClinVar (database versions not stated): ExAC 0.00007; ESP Exome Variant Server 0.00008; gnomAD 0.00002 and 0.00003; TOPMed 0.00003; gnomAD exomes 0.00007; 1000 Genomes Project 0.00020; 1000 Genomes Project 30x 0.00031.
gnomAD v4.1: 23 of 1,613,996 alleles (0.0014%); highest among the groups gnomAD compares: East Asian, 0.031%; no homozygotes.

Submission:

Labcorp Genetics (formerly Invitae), Labcorp
Classification: Uncertain significance for Epileptic encephalopathy. Last evaluated: 2020-07-30. Review status: criteria provided, single submitter. Criteria: Invitae Variant Classification Sherloc (09022015). Collection method: clinical testing. Allele origin: germline.
Comment: In summary, the available evidence is currently insufficient to determine the role of this variant in disease. Therefore, it has been classified as a Variant of Uncertain Significance. Algorithms developed to predict the effect of missense changes on protein structure and function output the following: SIFT: "Deleterious"; PolyPhen-2: "Benign"; Align-GVGD: "Class C0". The lysine amino acid residue is found in multiple mammalian species, suggesting that this missense change does not adversely affect protein function. These predictions have not been confirmed by published functional studies and their clinical significance is uncertain. This variant has not been reported in the literature in individuals with RYR3-related conditions. This variant is present in population databases (rs376032202, ExAC 0.06%). This sequence change replaces glutamic acid with lysine at codon 1646 of the RYR3 protein (p.Glu1646Lys). The glutamic acid residue is highly conserved and there is a small physicochemical difference between glutamic acid and lysine.